The following is an entry in ClinVar:

ClinVar aggregate classification (germline): Uncertain significance (1 of 4 stars; one submission).

Allele frequency attached by ClinVar (database versions not stated): gnomAD 0.00001 and 0.00003; TOPMed 0.00003; gnomAD exomes 0.00007 and 0.00010; ExAC 0.00013; 1000 Genomes Project 0.00040; 1000 Genomes Project 30x 0.00047.
gnomAD v4.1: 106 of 1,611,190 alleles (0.0066%); highest among the groups gnomAD compares: South Asian, 0.097%; 1 homozygote.

Submission:

GeneDx
Classification: Uncertain significance. Last evaluated: 2019-07-10. Review status: criteria provided, single submitter. Criteria: GeneDx Variant Classification Process June 2021. Collection method: clinical testing. Allele origin: germline. Affected: yes.
Comment: In silico analysis, which includes protein predictors and evolutionary conservation, supports that this variant does not alter protein structure/function; Has not been previously published as pathogenic or benign to our knowledge

NM_004830.4(MED23):c.614T>C (p.Val205Ala)

Gene: MED23 (mediator complex subunit 23; minus strand). Cytogenetic location: 6q23.2.
Variant type: single nucleotide variant.
Coding change: c.614T>C on transcript NM_004830.4 (MANE Select); coding-DNA position 614, T replaced by C.
Protein change: p.Val205Ala; replaces valine 205 with alanine.
Molecular consequence: missense variant.
Genome position (GRCh38, 1-based): chr6:131,619,880, A>G on the plus strand (T>C on the coding strand, the complement: MED23 is on the minus strand). VCF-style: chr6-131619880-A-G. GRCh37 (hg19) VCF-style: chr6-131941020-A-G.
Other names: c.614T>C, p.Val205Ala (NM_001270521.2, NM_001270522.2, NM_001376517.1 and 7 more transcripts); c.542T>C, p.Val181Ala (NM_001376518.1); short protein forms V181A, V205A.
Identifiers: ClinVar variation 1306751 (VCV001306751.2), dbSNP rs567841635, ClinGen allele CA4000189.